The following is an entry in ClinVar:

ClinVar aggregate classification (germline): Uncertain significance (1 of 4 stars; one submission).

Submission:

GeneDx
Classification: Uncertain significance. Last evaluated: 2025-01-07. Review status: criteria provided, single submitter. Criteria: GeneDx Variant Classification Process June 2021. Collection method: clinical testing. Allele origin: germline. Affected: yes.
Comment: Not observed at significant frequency in large population cohorts (gnomAD); In silico analysis indicates that this missense variant does not alter protein structure/function; Has not been previously published as pathogenic or benign to our knowledge

NM_001007553.3(CSDE1):c.1318A>C (p.Asn440His)

Gene: CSDE1 (cold shock domain containing E1; minus strand). Cytogenetic location: 1p13.2.
Variant type: single nucleotide variant.
Coding change: c.1318A>C on transcript NM_001007553.3 (MANE Select); coding-DNA position 1318, A replaced by C.
Protein change: p.Asn440His; replaces asparagine 440 with histidine.
Molecular consequence: missense variant.
Genome position (GRCh38, 1-based): chr1:114,730,296, T>G on the plus strand (A>C on the coding strand, the complement: CSDE1 is on the minus strand). VCF-style: chr1-114730296-T-G. GRCh37 (hg19) VCF-style: chr1-115272917-T-G.
Other names: c.1363A>C, p.Asn455His (NM_001130523.3); c.1456A>C, p.Asn486His (NM_001242891.2); c.1318A>C, p.Asn440His (NM_001242892.2); c.1225A>C, p.Asn409His (NM_001242893.2, NM_007158.6); short protein forms N409H, N440H, N455H, N486H.
Identifiers: ClinVar variation 4057046 (VCV004057046.1).
Genomic context (GRCh38, chr1:114,730,296, plus strand): 5'-ATTTGGATTATGCAAAACCTACCTTCTCTTTGCCTTTATTTGGGCTAGTGGTTTTAGGAT[T>G]GGAAAAAGTGGCTTCTTTTTCTACCGTGCCCAGAAAACGGTGATCTGAATGGGAATGAAA-3'
Protein context (NP_001007554.1, residues 430-450): GTVEKEATFS[Asn440His]PKTTSPNKGK